The following is an entry in ClinVar:

NM_001330260.2(SCN8A):c.4715A>G (p.Lys1572Arg)

Gene: SCN8A (sodium voltage-gated channel alpha subunit 8; plus strand). Cytogenetic location: 12q13.13.
Variant type: single nucleotide variant.
Coding change: c.4715A>G on transcript NM_001330260.2 (MANE Select); coding-DNA position 4715, A replaced by G.
Protein change: p.Lys1572Arg; replaces lysine 1572 with arginine.
Molecular consequence: missense variant.
Genome position (GRCh38, 1-based): chr12:51,794,561, A>G. VCF-style: chr12-51794561-A-G. GRCh37 (hg19) VCF-style: chr12-52188345-A-G.
Other names: c.4592A>G, p.Lys1531Arg (NM_001177984.3, NM_001369788.1); c.4715A>G, p.Lys1572Arg (NM_014191.4); short protein forms K1531R, K1572R.
Identifiers: ClinVar variation 1316379 (VCV001316379.5), dbSNP rs756839708, ClinGen allele CA6571850.

ClinVar aggregate classification (germline): Uncertain significance. Review status: criteria provided, multiple submitters, no conflicts (2 of 4 stars). 2 submissions from 2 submitters: Uncertain significance (2). Last evaluated 2024-12-10.

Conditions:
Early-infantile DEE. Also called: Early infantile epileptic encephalopathy; Early infantile epileptic encephalopathy with suppression bursts; Ohtahara syndrome. Identifiers: Orphanet 1934, MedGen C0393706, MONDO:0800491.

Allele frequency attached by ClinVar (database versions not stated): gnomAD exomes below 0.00001; ExAC 0.00001.
gnomAD v4.1: 1 of 1,614,016 alleles (0.000062%); highest among the groups gnomAD compares: South Asian, 0.0011%; no homozygotes.

Submissions (2):

GeneDx
Classification: Uncertain significance. Last evaluated: 2024-12-10. Review status: criteria provided, single submitter. Criteria: GeneDx Variant Classification Process June 2021. Collection method: clinical testing. Allele origin: germline. Affected: yes.
Comment: In silico analysis supports that this missense variant has a deleterious effect on protein structure/function; Has not been previously published as pathogenic or benign to our knowledge; This substitution is predicted to be within the intracellular loop between the S2 and S3 transmembrane segments of the fourth homologous domain

Labcorp Genetics (formerly Invitae), Labcorp
Classification: Uncertain significance for Early-infantile DEE. Last evaluated: 2024-06-25. Review status: criteria provided, single submitter. Criteria: Invitae Variant Classification Sherloc (09022015). Collection method: clinical testing. Allele origin: germline.
Comment: This sequence change replaces lysine, which is basic and polar, with arginine, which is basic and polar, at codon 1572 of the SCN8A protein (p.Lys1572Arg). This variant is present in population databases (rs756839708, gnomAD 0.003%). This variant has not been reported in the literature in individuals affected with SCN8A-related conditions. ClinVar contains an entry for this variant (Variation ID: 1316379). Advanced modeling of protein sequence and biophysical properties (such as structural, functional, and spatial information, amino acid conservation, physicochemical variation, residue mobility, and thermodynamic stability) performed at Invitae indicates that this missense variant is expected to disrupt SCN8A protein function with a positive predictive value of 95%. In summary, the available evidence is currently insufficient to determine the role of this variant in disease. Therefore, it has been classified as a Variant of Uncertain Significance.